The following is an entry in ClinVar:

NM_004415.4(DSP):c.3715C>T (p.Leu1239Phe)

Gene: DSP (desmoplakin; plus strand). Cytogenetic location: 6p24.3.
Variant type: single nucleotide variant.
Coding change: c.3715C>T on transcript NM_004415.4 (MANE Select); coding-DNA position 3715, C replaced by T.
Protein change: p.Leu1239Phe; replaces leucine 1239 with phenylalanine.
Molecular consequence: missense variant. On other transcripts: intron variant (1).
Genome position (GRCh38, 1-based): chr6:7,579,905, C>T. VCF-style: chr6-7579905-C-T. GRCh37 (hg19) VCF-style: chr6-7580138-C-T.
Other names: c.3715C>T, p.Leu1239Phe (NM_001319034.2); c.3582+133C>T (NM_001008844.3); c.3715C>T (LRG_423t1); short protein forms L1239F.
Identifiers: ClinVar variation 199880 (VCV000199880.15), dbSNP rs752645827, ClinGen allele CA004206.

ClinVar aggregate classification (germline): Conflicting classifications of pathogenicity. Review status: criteria provided, conflicting classifications (1 of 4 stars). 3 submissions from 3 submitters: Uncertain significance (2); Likely benign (1). Last evaluated 2025-04-17.

Conditions:
Arrhythmogenic right ventricular dysplasia 8 (ARVD8). Also called: ARRHYTHMOGENIC RIGHT VENTRICULAR DYSPLASIA, FAMILIAL, 8; ARRHYTHMOGENIC RIGHT VENTRICULAR CARDIOMYOPATHY 8; Arrhythmogenic Right Ventricular Dysplasia/Cardiomyopathy 8. Identifiers: MedGen C1843896, MONDO:0011831, OMIM 607450.
Arrhythmogenic cardiomyopathy with wooly hair and keratoderma. Also called: Arrhythmogenic cardiomyopathy with woolly hair and keratoderma; Carvajal syndrome; Dilated cardiomyopathy with woolly hair and keratoderma; PALMOPLANTAR KERATODERMA WITH LEFT VENTRICULAR CARDIOMYOPATHY AND WOOLLY HAIR. Identifiers: Orphanet 65282, MedGen C1854063, MONDO:0011581, OMIM 605676.
Cardiomyopathy (CMYO). Also called: Cardiomyopathies. Identifiers: Orphanet 167848, MedGen C0878544, MONDO:0004994, HP:0001638. Inheritance: Various modes of inheritance.

Allele frequency attached by ClinVar (database versions not stated): ExAC 0.00001; gnomAD 0.00001; gnomAD exomes 0.00001; TOPMed 0.00002.
gnomAD v4.1: 16 of 1,613,950 alleles (0.00099%); highest among the groups gnomAD compares: African/African-American, 0.0013%; no homozygotes.

Submissions (3):

Labcorp Genetics (formerly Invitae), Labcorp
Classification: Likely benign for Arrhythmogenic cardiomyopathy with wooly hair and keratoderma; Arrhythmogenic right ventricular dysplasia 8. Last evaluated: 2025-04-17. Review status: criteria provided, single submitter. Criteria: Invitae Variant Classification Sherloc (09022015). Collection method: clinical testing. Allele origin: germline.

Color Diagnostics, LLC DBA Color Health
Classification: Uncertain significance for Cardiomyopathy. Last evaluated: 2024-03-07. Review status: criteria provided, single submitter. Criteria: ACMG Guidelines, 2015. Collection method: clinical testing. Allele origin: germline.
Comment: This missense variant replaces leucine with phenylalanine at codon 1239 of the DSP protein. Computational prediction tool suggests that this variant may not impact protein structure and function (internally defined REVEL score threshold <=0.5, PMID: 27666373). Splice site prediction tools suggest that this variant may not impact RNA splicing. To our knowledge, functional studies have not been performed for this variant. This variant has not been reported in individuals affected with cardiovascular disorders in the literature. This variant has been identified in 3/281978 chromosomes in the general population by the Genome Aggregation Database (gnomAD). The available evidence is insufficient to determine the role of this variant in disease conclusively. Therefore, this variant is classified as a Variant of Uncertain Significance.

Blueprint Genetics
Classification: Uncertain significance. Last evaluated: 2021-09-01. Review status: criteria provided, single submitter. Criteria: ACMG Guidelines, 2015. Collection method: clinical testing. Allele origin: germline.